The following is an entry in ClinVar:

ClinVar aggregate classification (germline): Uncertain significance (1 of 4 stars; one submission).

Conditions:
Juvenile polyposis syndrome (JPS). Identifiers: Orphanet 2929, MedGen C0345893, MONDO:0017380, OMIM 174900.

Submission:

Labcorp Genetics (formerly Invitae), Labcorp
Classification: Uncertain significance for Juvenile polyposis syndrome. Last evaluated: 2022-01-27. Review status: criteria provided, single submitter. Criteria: Invitae Variant Classification Sherloc (09022015). Collection method: clinical testing. Allele origin: germline.
Comment: This variant is not present in population databases (gnomAD no frequency). This variant has not been reported in the literature in individuals affected with BMPR1A-related conditions. This sequence change creates a premature translational stop signal (p.Lys518Ilefs*10) in the BMPR1A gene. While this is not anticipated to result in nonsense mediated decay, it is expected to disrupt the last 15 amino acid(s) of the BMPR1A protein. ClinVar contains an entry for this variant (Variation ID: 653162). Experimental studies and prediction algorithms are not available or were not evaluated, and the functional significance of this variant is currently unknown. In summary, the available evidence is currently insufficient to determine the role of this variant in disease. Therefore, it has been classified as a Variant of Uncertain Significance.

NM_004329.3(BMPR1A):c.1552_1553insTAAT (p.Lys518fs)

Gene: BMPR1A (bone morphogenetic protein receptor type 1A; plus strand). Cytogenetic location: 10q23.2.
Variant type: Insertion.
Coding change: c.1552_1553insTAAT on transcript NM_004329.3 (MANE Select); coding-DNA positions 1552 to 1553, TAAT inserted.
Protein change: p.Lys518fs; shifts the reading frame from lysine 518.
Molecular consequence: frameshift variant.
Genome position: GRCh38 VCF-style: chr10-86923672-A-ATAAT. GRCh37 (hg19) VCF-style: chr10-88683429-A-ATAAT.
Other names: short protein forms K518fs.
Identifiers: ClinVar variation 653162 (VCV000653162.8), dbSNP rs1589293668, ClinGen allele CA915947550.